The following is an entry in ClinVar:

NM_006343.3(MERTK):c.1940C>T (p.Pro647Leu)

Gene: MERTK (MER proto-oncogene, tyrosine kinase; plus strand). Cytogenetic location: 2q13.
Variant type: single nucleotide variant.
Coding change: c.1940C>T on transcript NM_006343.3 (MANE Select); coding-DNA position 1940, C replaced by T.
Protein change: p.Pro647Leu; replaces proline 647 with leucine.
Molecular consequence: missense variant.
Genome position (GRCh38, 1-based): chr2:112,008,455, C>T. VCF-style: chr2-112008455-C-T. GRCh37 (hg19) VCF-style: chr2-112766032-C-T.
Other names: short protein forms P647L.
Identifiers: ClinVar variation 3002130 (VCV003002130.3), dbSNP rs1677030418, ClinGen allele CA348233355.
Genomic context (GRCh38, chr2:112,008,455, plus strand): 5'-CACAGCGGGAGATCGAGGAGTTTCTCAGTGAGGCAGCGTGCATGAAAGACTTCAGCCACC[C>T]AAATGTCATTCGACTTCTAGGTACTTCCGAGAAATGCAGGAGTGGGTGGCCAAGAGGGCT-3'
Protein context (NP_006334.2, residues 637-657): EAACMKDFSH[Pro647Leu]NVIRLLGVCI

ClinVar aggregate classification (germline): Uncertain significance (1 of 4 stars; one submission).

Allele frequency attached by ClinVar (database versions not stated): gnomAD exomes below 0.00001; TOPMed below 0.00001.
gnomAD v4.1: 2 of 1,613,984 alleles (0.00012%); highest among the groups gnomAD compares: East Asian, 0.0022%; no homozygotes.

Submission:

Labcorp Genetics (formerly Invitae), Labcorp
Classification: Uncertain significance. Last evaluated: 2023-10-18. Review status: criteria provided, single submitter. Criteria: Invitae Variant Classification Sherloc (09022015). Collection method: clinical testing. Allele origin: germline.
Comment: This sequence change replaces proline, which is neutral and non-polar, with leucine, which is neutral and non-polar, at codon 647 of the MERTK protein (p.Pro647Leu). This variant is not present in population databases (gnomAD no frequency). This variant has not been reported in the literature in individuals affected with MERTK-related conditions. Advanced modeling of protein sequence and biophysical properties (such as structural, functional, and spatial information, amino acid conservation, physicochemical variation, residue mobility, and thermodynamic stability) performed at Invitae indicates that this missense variant is not expected to disrupt MERTK protein function. In summary, the available evidence is currently insufficient to determine the role of this variant in disease. Therefore, it has been classified as a Variant of Uncertain Significance.